The following is an entry in ClinVar:

NM_001211.6(BUB1B):c.1070A>C (p.Lys357Thr)

Gene: BUB1B (BUB1 mitotic checkpoint serine/threonine kinase B; plus strand). Cytogenetic location: 15q15.1.
Variant type: single nucleotide variant.
Coding change: c.1070A>C on transcript NM_001211.6 (MANE Select); coding-DNA position 1070, A replaced by C.
Protein change: p.Lys357Thr; replaces lysine 357 with threonine.
Molecular consequence: missense variant.
Genome position (GRCh38, 1-based): chr15:40,196,556, A>C. VCF-style: chr15-40196556-A-C. GRCh37 (hg19) VCF-style: chr15-40488757-A-C.
Other names: short protein forms K357T.
Identifiers: ClinVar variation 4600446 (VCV004600446.1).

ClinVar aggregate classification (germline): Uncertain significance (1 of 4 stars; one submission).

Conditions:
Inborn genetic diseases. Identifiers: MedGen C0950123, MeSH D030342.

Submission:

Ambry Genetics
Classification: Uncertain significance for Inborn genetic diseases. Last evaluated: 2025-10-29. Review status: criteria provided, single submitter. Criteria: Ambry Variant Classification Scheme 2023. Collection method: clinical testing. Allele origin: germline.
Comment: The p.K357T variant (also known as c.1070A>C), located in coding exon 9 of the BUB1B gene, results from an A to C substitution at nucleotide position 1070. The lysine at codon 357 is replaced by threonine, an amino acid with similar properties. This amino acid position is conserved. In addition, this alteration is predicted to be tolerated by in silico analysis. Based on the available evidence, the clinical significance of this variant remains unclear.